The following is an entry in ClinVar:

ClinVar aggregate classification (germline): Uncertain significance (1 of 4 stars; one submission).

Conditions:
Hereditary cancer-predisposing syndrome. Also called: Neoplastic Syndromes, Hereditary; Tumor predisposition; Hereditary Cancer Syndrome; Hereditary neoplastic syndrome. Identifiers: Orphanet 140162, MedGen C0027672, MeSH D009386, MONDO:0015356.

Submission:

Ambry Genetics
Classification: Uncertain significance for Hereditary cancer-predisposing syndrome. Last evaluated: 2026-05-11. Review status: criteria provided, single submitter. Criteria: Ambry Variant Classification Scheme 2023. Collection method: clinical testing. Allele origin: germline.
Comment: The c.73-3C>T intronic variant results from a C to T substitution 3 nucleotides upstream from coding exon 2 in the SDHB gene. This nucleotide position is well conserved in available vertebrate species. In silico splice site analysis predicts that this alteration will not have any significant effect on splicing. Based on the available evidence, the clinical significance of this variant remains unclear.

NM_003000.3(SDHB):c.73-3C>T

Gene: SDHB (succinate dehydrogenase complex iron sulfur subunit B; minus strand). Cytogenetic location: 1p36.13.
Variant type: single nucleotide variant.
Coding change: c.73-3C>T on transcript NM_003000.3 (MANE Select); 3 bases into the intron before coding-DNA position 73, C replaced by T.
Molecular consequence: intron variant.
Genome position (GRCh38, 1-based): chr1:17,044,891, G>A on the plus strand (C>T on the coding strand, the complement: SDHB is on the minus strand). VCF-style: chr1-17044891-G-A. GRCh37 (hg19) VCF-style: chr1-17371386-G-A.
Other names: c.73-3C>T (NM_001407361.1).
Identifiers: ClinVar variation 4864265 (VCV004864265.1).
Genomic context (GRCh38, chr1:17,044,891, plus strand): 5'-TGGCAAATTTCTTGATACGGGGAGCTGTGGCTGCAGCTGTCTGGGCTCCTCGGGAGGCCT[G>A]AAATTTTTTAAAGTTCACAAAAAGGAAAAAAAAATTAGAAATACAAGATAATTCCATTTT-3'